The following is an entry in ClinVar:

ClinVar aggregate classification (germline): Conflicting classifications of pathogenicity. Review status: criteria provided, conflicting classifications (1 of 4 stars). 7 submissions from 7 submitters: Uncertain significance (1); Benign (2); Likely benign (3). 1 of the submissions does not count toward it. Last evaluated 2026-01-26.

Conditions:
Hereditary cancer-predisposing syndrome. Also called: Neoplastic Syndromes, Hereditary; Hereditary Cancer Syndrome; Tumor predisposition; Hereditary neoplastic syndrome. Identifiers: Orphanet 140162, MedGen C0027672, MeSH D009386, MONDO:0015356.
Baller-Gerold syndrome (BGS). Also called: CRANIOSYNOSTOSIS WITH RADIAL DEFECTS. Identifiers: Orphanet 1225, MedGen C0265308, MONDO:0009039, OMIM 218600.
RECQL4-related disorder. Also called: RECQL4-related condition; RECQL4-related disorders.
Rothmund-Thomson syndrome type 2 (RTS2). Identifiers: Orphanet 221016, MedGen C5203410, MONDO:0016369, OMIM 268400.

Allele frequency attached by ClinVar (database versions not stated): 1000 Genomes Project 30x 0.00250; TOPMed 0.00252; ESP Exome Variant Server 0.00273; gnomAD 0.00274; gnomAD exomes 0.00062; ExAC 0.00071; 1000 Genomes Project 0.00220.
gnomAD v4.1: 758 of 1,610,652 alleles (0.047%); highest among the groups gnomAD compares: African/African-American, 0.93%; 1 homozygote.

Submissions (7):

Labcorp Genetics (formerly Invitae), Labcorp
Classification: Benign for Baller-Gerold syndrome. Last evaluated: 2026-01-26. Review status: criteria provided, single submitter. Criteria: Invitae Variant Classification Sherloc (09022015). Collection method: clinical testing. Allele origin: germline.

Blueprint Genetics
Classification: Likely benign. Last evaluated: 2024-03-28. Review status: criteria provided, single submitter. Criteria: ACMG Guidelines, 2015. Collection method: clinical testing. Allele origin: germline.

GeneDx
Classification: Likely benign. Last evaluated: 2021-06-25. Review status: criteria provided, single submitter. Criteria: GeneDx Variant Classification Process June 2021. Collection method: clinical testing. Allele origin: germline. Affected: yes.

Sema4
Classification: Likely benign for Hereditary cancer-predisposing syndrome. Last evaluated: 2021-05-18. Review status: criteria provided, single submitter. Criteria: Sema4 Curation Guidelines. Collection method: curation. Allele origin: germline.

Baylor Genetics
Classification: Uncertain significance for Rothmund-Thomson syndrome type 2. Last evaluated: 2020-12-12. Review status: criteria provided, single submitter. Criteria: ACMG Guidelines, 2015. Collection method: clinical testing. Allele origin: unknown. Affected: yes. Study: CSER-TexasKidsCanSeq.
Comment: This variant was determined to be of uncertain significance according to ACMG Guidelines, 2015 [PMID:25741868].

Eurofins Ntd Llc (ga)
Classification: Benign. Last evaluated: 2015-09-15. Review status: criteria provided, single submitter. Criteria: EGL Classification Definitions 2015. Collection method: clinical testing. Allele origin: germline. Observed: 1 variant allele, 1 heterozygote.

PreventionGenetics, part of Exact Sciences
Classification: Benign for RECQL4-related condition. Last evaluated: 2019-04-09. Review status: no assertion criteria provided. Collection method: clinical testing. Allele origin: germline. Not counted in ClinVar's aggregate classification.
Comment: This variant is classified as benign based on ACMG/AMP sequence variant interpretation guidelines (Richards et al. 2015 PMID: 25741868, with internal and published modifications).

NM_004260.4(RECQL4):c.3392G>A (p.Arg1131Lys)

Gene: RECQL4 (RecQ like helicase 4; minus strand). Cytogenetic location: 8q24.3.
Variant type: single nucleotide variant.
Coding change: c.3392G>A on transcript NM_004260.4 (MANE Select); coding-DNA position 3392, G replaced by A.
Protein change: p.Arg1131Lys; replaces arginine 1131 with lysine.
Molecular consequence: missense variant.
Genome position (GRCh38, 1-based): chr8:144,511,912, C>T on the plus strand (G>A on the coding strand, the complement: RECQL4 is on the minus strand). VCF-style: chr8-144511912-C-T. GRCh37 (hg19) VCF-style: chr8-145737295-C-T.
Other names: short protein forms R1131K.
Identifiers: ClinVar variation 239761 (VCV000239761.23), dbSNP rs201369291, ClinGen allele CA4947793.